The following is an entry in ClinVar:

NM_001379110.1(SLC9A6):c.1636C>T (p.Arg546Trp)

Gene: SLC9A6 (solute carrier family 9 member A6; plus strand). Cytogenetic location: Xq26.3.
Variant type: single nucleotide variant.
Coding change: c.1636C>T on transcript NM_001379110.1 (MANE Select); coding-DNA position 1636, C replaced by T.
Protein change: p.Arg546Trp; replaces arginine 546 with tryptophan.
Molecular consequence: missense variant.
Genome position (GRCh38, 1-based): chrX:136,033,468, C>T. VCF-style: chrX-136033468-C-T. GRCh37 (hg19) VCF-style: chrX-135115627-C-T.
Other names: c.1702C>T, p.Arg568Trp (NM_001042537.2); c.1546C>T, p.Arg516Trp (NM_001177651.2, NM_001400909.1, NM_001400910.1 and 2 more transcripts); c.1450C>T, p.Arg484Trp (NM_001330652.2, NM_001400913.1); c.1606C>T, p.Arg536Trp (NM_006359.3); short protein forms R484W, R516W, R546W, R568W, R536W.
Identifiers: ClinVar variation 1940280 (VCV001940280.5), dbSNP rs782699547, ClinGen allele CA10524837.
Genomic context (GRCh38, chrX:136,033,468, plus strand): 5'-CTGCAGGGTGTTCCTGAAAATGAAAGGAGAACTACCAAAGCAGAGAGTGCTTGGCTTTTC[C>T]GGATGTGGTACAACTTTGATCATAAGTATCCTTAATTGAGGGAAAAAAAAAAAGGATAAT-3'
Protein context (NP_001366039.1, residues 536-556): TTKAESAWLF[Arg546Trp]MWYNFDHNYL

ClinVar aggregate classification (germline): Uncertain significance (1 of 4 stars; one submission).

Conditions:
Christianson syndrome (MRXSCH). Also called: INTELLECTUAL DEVELOPMENTAL DISORDER, X-LINKED, SYNDROMIC, CHRISTIANSON TYPE; X-linked mental retardation, syndromic, Christianson type; SLC9A6-Related Syndromic Mental Retardation. Identifiers: Orphanet 85278, MedGen C2678194, MONDO:0010278, OMIM 300243.

Allele frequency attached by ClinVar (database versions not stated): gnomAD exomes below 0.00001; ExAC 0.00001; TOPMed 0.00001.
gnomAD v4.1: 2 of 1,173,171 alleles (0.00017%); highest among the groups gnomAD compares: South Asian, 0.0018%; no homozygotes.

Submission:

Labcorp Genetics (formerly Invitae), Labcorp
Classification: Uncertain significance for Christianson syndrome. Last evaluated: 2022-04-10. Review status: criteria provided, single submitter. Criteria: Invitae Variant Classification Sherloc (09022015). Collection method: clinical testing. Allele origin: germline.
Comment: This sequence change replaces arginine, which is basic and polar, with tryptophan, which is neutral and slightly polar, at codon 536 of the SLC9A6 protein (p.Arg536Trp). The frequency data for this variant in the population databases is considered unreliable, as metrics indicate poor data quality at this position in the gnomAD database. This variant has not been reported in the literature in individuals affected with SLC9A6-related conditions. Algorithms developed to predict the effect of missense changes on protein structure and function are either unavailable or do not agree on the potential impact of this missense change (SIFT: "Deleterious"; PolyPhen-2: "Probably Damaging"; Align-GVGD: "Class C0"). Algorithms developed to predict the effect of sequence changes on RNA splicing suggest that this variant may disrupt the consensus splice site. In summary, the available evidence is currently insufficient to determine the role of this variant in disease. Therefore, it has been classified as a Variant of Uncertain Significance.